The following is an entry in ClinVar:

NM_177438.3(DICER1):c.1859A>G (p.Asp620Gly)

Gene: DICER1 (dicer 1, ribonuclease III; minus strand). Cytogenetic location: 14q32.13.
Variant type: single nucleotide variant.
Coding change: c.1859A>G on transcript NM_177438.3 (MANE Select); coding-DNA position 1859, A replaced by G.
Protein change: p.Asp620Gly; replaces aspartic acid 620 with glycine.
Molecular consequence: missense variant.
Genome position (GRCh38, 1-based): chr14:95,115,715, T>C on the plus strand (A>G on the coding strand, the complement: DICER1 is on the minus strand). VCF-style: chr14-95115715-T-C. GRCh37 (hg19) VCF-style: chr14-95582052-T-C.
Other names: c.1859A>G, p.Asp620Gly (NM_001195573.1, NM_001271282.3, NM_001291628.2 and 1 more transcripts); short protein forms D620G.
Identifiers: ClinVar variation 820202 (VCV000820202.14), dbSNP rs1595406125, ClinGen allele CA390883973.

ClinVar aggregate classification (germline): Uncertain significance. Review status: criteria provided, multiple submitters, no conflicts (2 of 4 stars). 2 submissions from 2 submitters: Uncertain significance (2). Last evaluated 2025-11-20.

Conditions:
Hereditary cancer-predisposing syndrome. Also called: Hereditary Cancer Syndrome; Neoplastic Syndromes, Hereditary; Hereditary neoplastic syndrome; Tumor predisposition. Identifiers: Orphanet 140162, MedGen C0027672, MeSH D009386, MONDO:0015356.
DICER1-related tumor predisposition. Also called: DICER1-related pleuropulmonary blastoma cancer predisposition syndrome; DICER1 syndrome. Identifiers: Orphanet 284343, MedGen C3839822, MONDO:0100216.

Allele frequency attached by ClinVar (database versions not stated): gnomAD exomes below 0.00001; TOPMed below 0.00001.
gnomAD v4.1: 1 of 1,614,118 alleles (0.000062%); highest among the groups gnomAD compares: South Asian, 0.0011%; no homozygotes.

Submissions (2):

Ambry Genetics
Classification: Uncertain significance for Hereditary cancer-predisposing syndrome. Last evaluated: 2025-11-20. Review status: criteria provided, single submitter. Criteria: Ambry Variant Classification Scheme 2023. Collection method: clinical testing. Allele origin: germline.
Comment: The p.D620G variant (also known as c.1859A>G), located in coding exon 10 of the DICER1 gene, results from an A to G substitution at nucleotide position 1859. The aspartic acid at codon 620 is replaced by glycine, an amino acid with similar properties. This amino acid position is well conserved in available vertebrate species. In addition, this alteration is predicted to be tolerated by in silico analysis. Based on the available evidence, the clinical significance of this variant remains unclear.

Labcorp Genetics (formerly Invitae), Labcorp
Classification: Uncertain significance for DICER1-related tumor predisposition. Last evaluated: 2021-05-29. Review status: criteria provided, single submitter. Criteria: Invitae Variant Classification Sherloc (09022015). Collection method: clinical testing. Allele origin: germline.
Comment: In summary, the available evidence is currently insufficient to determine the role of this variant in disease. Therefore, it has been classified as a Variant of Uncertain Significance. This variant is not present in population databases (ExAC no frequency). This sequence change replaces aspartic acid with glycine at codon 620 of the DICER1 protein (p.Asp620Gly). The aspartic acid residue is moderately conserved and there is a moderate physicochemical difference between aspartic acid and glycine. Algorithms developed to predict the effect of missense changes on protein structure and function (SIFT, PolyPhen-2, Align-GVGD) all suggest that this variant is likely to be tolerated, but these predictions have not been confirmed by published functional studies and their clinical significance is uncertain. This variant has not been reported in the literature in individuals with DICER1-related conditions. ClinVar contains an entry for this variant (Variation ID: 820202).